The following is an entry in ClinVar:

NM_000179.3(MSH6):c.3377A>G (p.Lys1126Arg)

Gene: MSH6 (mutS homolog 6; plus strand). Cytogenetic location: 2p16.3.
Variant type: single nucleotide variant.
Coding change: c.3377A>G on transcript NM_000179.3 (MANE Select); coding-DNA position 3377, A replaced by G.
Protein change: p.Lys1126Arg; replaces lysine 1126 with arginine.
Molecular consequence: missense variant.
Genome position (GRCh38, 1-based): chr2:47,803,624, A>G. VCF-style: chr2-47803624-A-G. GRCh37 (hg19) VCF-style: chr2-48030763-A-G.
Other names: c.2987A>G, p.Lys996Arg (NM_001281492.2); c.2471A>G, p.Lys824Arg (NM_001281493.2, NM_001281494.2); short protein forms K1126R, K824R, K996R.
Identifiers: ClinVar variation 571230 (VCV000571230.20), dbSNP rs766608409, ClinGen allele CA346758815.

ClinVar aggregate classification (germline): Conflicting classifications of pathogenicity. Review status: criteria provided, conflicting classifications (1 of 4 stars). 5 submissions from 5 submitters: Uncertain significance (4); Likely benign (1). Last evaluated 2025-07-30.

Conditions:
Hereditary nonpolyposis colorectal neoplasms. Identifiers: MedGen C0009405, MeSH D003123.
Hereditary cancer-predisposing syndrome. Also called: Hereditary neoplastic syndrome; Tumor predisposition; Neoplastic Syndromes, Hereditary; Hereditary Cancer Syndrome. Identifiers: Orphanet 140162, MedGen C0027672, MeSH D009386, MONDO:0015356.
Endometrial carcinoma. Also called: Endometrial carcinoma, somatic. Identifiers: MedGen C0476089, MONDO:0002447, OMIM 608089, HP:0012114.

Allele frequency attached by ClinVar (database versions not stated): TOPMed 0.00001.
gnomAD v4.1: 5 of 1,614,092 alleles (0.00031%); highest among the groups gnomAD compares: Non-Finnish European, 0.00042%; no homozygotes.

Submissions (5):

Labcorp Genetics (formerly Invitae), Labcorp
Classification: Likely benign for Hereditary nonpolyposis colorectal neoplasms. Last evaluated: 2025-07-30. Review status: criteria provided, single submitter. Criteria: Invitae Variant Classification Sherloc (09022015). Collection method: clinical testing. Allele origin: germline.

Ambry Genetics
Classification: Uncertain significance for Hereditary cancer-predisposing syndrome. Last evaluated: 2024-11-06. Review status: criteria provided, single submitter. Criteria: Ambry Variant Classification Scheme 2023. Collection method: clinical testing. Allele origin: germline.
Comment: The p.K1126R variant (also known as c.3377A>G), located in coding exon 5 of the MSH6 gene, results from an A to G substitution at nucleotide position 3377. The lysine at codon 1126 is replaced by arginine, an amino acid with highly similar properties. This amino acid position is not well conserved in available vertebrate species. In addition, the in silico prediction for this alteration is inconclusive. Based on the available evidence, the clinical significance of this variant remains unclear.

GeneDx
Classification: Uncertain significance. Last evaluated: 2024-07-26. Review status: criteria provided, single submitter. Criteria: GeneDx Variant Classification Process June 2021. Collection method: clinical testing. Allele origin: germline. Affected: yes.
Comment: Not observed at significant frequency in large population cohorts (gnomAD); In silico analysis supports that this missense variant does not alter protein structure/function; Has not been previously published in association with an MSH6-related disorder to our knowledge; This variant is associated with the following publications: (PMID: 36243179, 17531815, 21120944)

Color Diagnostics, LLC DBA Color Health
Classification: Uncertain significance for Hereditary cancer-predisposing syndrome. Last evaluated: 2024-03-05. Review status: criteria provided, single submitter. Criteria: ACMG Guidelines, 2015. Collection method: clinical testing. Allele origin: germline.
Comment: This missense variant replaces lysine with arginine at codon 1126 of the MSH6 protein. Computational prediction suggests that this variant may not impact protein structure and function (internally defined REVEL score threshold <= 0.5, PMID: 27666373). To our knowledge, functional studies have not been reported for this variant. This variant has not been reported in individuals affected with MSH6-related disorders in the literature. This variant has been identified in 1/31404 chromosomes in the general population by the Genome Aggregation Database (gnomAD). The available evidence is insufficient to determine the role of this variant in disease conclusively. Therefore, this variant is classified as a Variant of Uncertain Significance.

Baylor Genetics
Classification: Uncertain significance for Endometrial carcinoma. Last evaluated: 2024-01-24. Review status: criteria provided, single submitter. Criteria: ACMG Guidelines, 2015. Collection method: clinical testing. Allele origin: unknown.